The following is an entry in ClinVar:

NM_000059.4(BRCA2):c.3712G>A (p.Val1238Met)

Gene: BRCA2 (BRCA2 DNA repair associated; plus strand). Cytogenetic location: 13q13.1.
Variant type: single nucleotide variant.
Coding change: c.3712G>A on transcript NM_000059.4 (MANE Select); coding-DNA position 3712, G replaced by A.
Protein change: p.Val1238Met; replaces valine 1238 with methionine.
Molecular consequence: missense variant.
Genome position (GRCh38, 1-based): chr13:32,338,067, G>A. VCF-style: chr13-32338067-G-A. GRCh37 (hg19) VCF-style: chr13-32912204-G-A.
Other names: short protein forms V1238M.
Identifiers: ClinVar variation 420759 (VCV000420759.5), dbSNP rs1064794685, ClinGen allele CA16619699.

ClinVar aggregate classification (germline): Conflicting classifications of pathogenicity. Review status: criteria provided, conflicting classifications (1 of 4 stars). 3 submissions from 3 submitters: Uncertain significance (1); Likely benign (2). Last evaluated 2026-07-07.

Conditions:
Hereditary cancer-predisposing syndrome. Also called: Neoplastic Syndromes, Hereditary; Hereditary neoplastic syndrome; Hereditary Cancer Syndrome; Tumor predisposition. Identifiers: Orphanet 140162, MedGen C0027672, MeSH D009386, MONDO:0015356.

Allele frequency attached by ClinVar (database versions not stated): gnomAD exomes below 0.00001.

Submissions (3):

Ambry Genetics
Classification: Likely benign for Hereditary cancer-predisposing syndrome. Last evaluated: 2026-07-07. Review status: criteria provided, single submitter. Criteria: Ambry Variant Classification Scheme 2023. Collection method: clinical testing. Allele origin: germline.

University of Washington Department of Laboratory Medicine, University of Washington
Classification: Likely benign for Hereditary cancer-predisposing syndrome. Last evaluated: 2023-03-23. Review status: criteria provided, single submitter. Criteria: Dines et al. (Genet Med. 2020). Collection method: curation. Allele origin: germline.
Comment: Missense variant in a coldspot region where missense variants are very unlikely to be pathogenic (PMID:31911673).

BRCA2 exon 11 coldspot. Reclassification based on statistical prior probability.

GeneDx
Classification: Uncertain significance. Last evaluated: 2016-03-28. Review status: criteria provided, single submitter. Criteria: GeneDx Variant Classification (06012015). Collection method: clinical testing. Allele origin: germline. Affected: yes.
Comment: This variant is denoted BRCA2 c.3712G>A at the cDNA level, p.Val1238Met (V1238M) at the protein level, and results in the change of a Valine to a Methionine (GTG>ATG). Using alternate nomenclature, this variant would be defined as BRCA2 3940G>A. This variant has not, to our knowledge, been published in the literature as pathogenic or benign. BRCA2 Val1238Met was not observed in approximately 6,500 individuals of European and African American ancestry in the NHLBI Exome Sequencing Project, suggesting it is not a common benign variant in these populations. Since Valine and Methionine share similar properties, this is considered a conservative amino acid substitution. BRCA2 Val1238Met occurs at a position that is not conserved and is located in the BRC2 functional domain (Cole 2011). In silico analyses predict that this variant is unlikely to alter protein structure or function. Based on currently available evidence, it is unclear whether BRCA2 Val1238Met is a pathogenic or benign variant. We consider it to be a variant of uncertain significance.